The following is an entry in ClinVar:

ClinVar aggregate classification (germline): Uncertain significance (1 of 4 stars; one submission).

gnomAD v4.1: 1 of 1,604,252 alleles (0.000062%); highest among the groups gnomAD compares: Non-Finnish European, 0.000085%; no homozygotes.

Submission:

Labcorp Genetics (formerly Invitae), Labcorp
Classification: Uncertain significance. Last evaluated: 2022-12-19. Review status: criteria provided, single submitter. Criteria: Invitae Variant Classification Sherloc (09022015). Collection method: clinical testing. Allele origin: germline.
Comment: This sequence change replaces leucine, which is neutral and non-polar, with valine, which is neutral and non-polar, at codon 461 of the MYO7A protein (p.Leu461Val). In summary, the available evidence is currently insufficient to determine the role of this variant in disease. Therefore, it has been classified as a Variant of Uncertain Significance. Advanced modeling of protein sequence and biophysical properties (such as structural, functional, and spatial information, amino acid conservation, physicochemical variation, residue mobility, and thermodynamic stability) has been performed at Invitae for this missense variant, however the output from this modeling did not meet the statistical confidence thresholds required to predict the impact of this variant on MYO7A protein function. This variant has not been reported in the literature in individuals affected with MYO7A-related conditions. This variant is not present in population databases (gnomAD no frequency).

NM_000260.4(MYO7A):c.1381C>G (p.Leu461Val)

Gene: MYO7A (myosin VIIA; plus strand). Cytogenetic location: 11q13.5.
Variant type: single nucleotide variant.
Coding change: c.1381C>G on transcript NM_000260.4 (MANE Select); coding-DNA position 1381, C replaced by G.
Protein change: p.Leu461Val; replaces leucine 461 with valine.
Molecular consequence: missense variant.
Genome position (GRCh38, 1-based): chr11:77,162,157, C>G. VCF-style: chr11-77162157-C-G. GRCh37 (hg19) VCF-style: chr11-76873203-C-G.
Other names: c.1381C>G, p.Leu461Val (NM_001127180.2); c.1348C>G, p.Leu450Val (NM_001369365.1); short protein forms L450V, L461V.
Identifiers: ClinVar variation 2822232 (VCV002822232.3), dbSNP rs2496868538, ClinGen allele CA381935276.